The following is an entry in ClinVar:

NM_005591.4(MRE11):c.2058dup (p.Glu687Ter)

Gene: MRE11 (MRE11 double strand break repair nuclease; minus strand). Cytogenetic location: 11q21.
Variant type: Duplication.
Coding change: c.2058dup on transcript NM_005591.4 (MANE Select); coding-DNA position 2058, one base duplicated (T; older notation c.2058dupT).
Protein change: p.Glu687Ter; replaces glutamic acid 687 with a stop codon.
Molecular consequence: nonsense.
Genome position (GRCh38, 1-based): chr11:94,429,923, A duplicated on the plus strand (T on the coding strand, the reverse complement: MRE11 is on the minus strand); the first of 4 consecutive A bases (chr11:94,429,923-94,429,926); duplicating any one gives the same sequence. VCF-style (leftmost placement, unchanged base first): chr11-94429922-C-CA. GRCh37 (hg19) VCF-style: chr11-94163088-C-CA.
Other names: c.2055dup, p.Glu686Ter (NM_001330347.2); c.1974dup, p.Glu659Ter (NM_005590.4); c.2058dupT (NM_005591.3); short protein forms E686*, E659*, E687*.
Identifiers: ClinVar variation 230740 (VCV000230740.5), dbSNP rs876658739, ClinGen allele CA10579355.

ClinVar aggregate classification (germline): Uncertain significance (1 of 4 stars; one submission).

Conditions:
Hereditary cancer-predisposing syndrome. Also called: Neoplastic Syndromes, Hereditary; Tumor predisposition; Hereditary Cancer Syndrome; Hereditary neoplastic syndrome. Identifiers: Orphanet 140162, MedGen C0027672, MeSH D009386, MONDO:0015356.

Submission:

Ambry Genetics
Classification: Uncertain significance for Hereditary cancer-predisposing syndrome. Last evaluated: 2019-10-31. Review status: criteria provided, single submitter. Criteria: Ambry Variant Classification Scheme 2023. Collection method: clinical testing. Allele origin: germline.
Comment: The c.2058dupT variant, located in coding exon 18 of the MRE11A gene, results from a duplication of T at nucleotide position 2058, causing a predicted alternate stop codon (p.E687*). Premature stop codons are typically deleterious in nature, however, this stop codon occurs at the 3' terminus of MRE11A, is not expected to trigger nonsense-mediated mRNA decay, and removes only the last 22 amino acids of the protein. The exact functional impact of these removed amino acids is unknown at this time. Since supporting evidence is limited at this time, the clinical significance of this alteration remains unclear.